The following is an entry in ClinVar:

ClinVar aggregate classification (germline): Pathogenic (1 of 4 stars; one submission).

gnomAD v4.1: 1 of 1,609,440 alleles (0.000062%); highest among the groups gnomAD compares: Non-Finnish European, 0.000085%; no homozygotes.

Submission:

Labcorp Genetics (formerly Invitae), Labcorp
Classification: Pathogenic. Last evaluated: 2026-01-12. Review status: criteria provided, single submitter. Criteria: Invitae Variant Classification Sherloc (09022015). Collection method: clinical testing. Allele origin: germline.
Comment: This sequence change creates a premature translational stop signal (p.Trp10*) in the NDUFV1 gene. It is expected to result in an absent or disrupted protein product. Loss-of-function variants in NDUFV1 are known to be pathogenic (PMID: 10080174, 11349233). The frequency data for this variant in the population databases is considered unreliable, as metrics indicate poor data quality at this position in the gnomAD database. This variant has not been reported in the literature in individuals affected with NDUFV1-related conditions. For these reasons, this variant has been classified as Pathogenic.

Literature cited by the submitters: PubMed 10080174; PubMed 11349233.

NM_007103.4(NDUFV1):c.30G>A (p.Trp10Ter)

Gene: NDUFV1 (NADH:ubiquinone oxidoreductase core subunit V1; plus strand). Cytogenetic location: 11q13.2.
Variant type: single nucleotide variant.
Coding change: c.30G>A on transcript NM_007103.4 (MANE Select); coding-DNA position 30, G replaced by A.
Protein change: p.Trp10Ter; replaces tryptophan 10 with a stop codon.
Molecular consequence: nonsense.
Genome position (GRCh38, 1-based): chr11:67,607,034, G>A. VCF-style: chr11-67607034-G-A. GRCh37 (hg19) VCF-style: chr11-67374505-G-A.
Other names: c.30G>A, p.Trp10Ter (NM_001166102.2); short protein forms W10*.
Identifiers: ClinVar variation 4735212 (VCV004735212.1).